The following is an entry in ClinVar:

ClinVar aggregate classification (germline): Uncertain significance. Review status: criteria provided, multiple submitters, no conflicts (2 of 4 stars). 3 submissions from 3 submitters: Uncertain significance (3). Last evaluated 2024-08-06.

Conditions:
Arrhythmogenic right ventricular cardiomyopathy (ARVD). Also called: Arrhythmogenic cardiomyopathy; Cardiomyopathy, ARVC; Arrhythmogenic right ventricular dysplasia; Arrhythmogenic Right Ventricular Cardiomyopathy (ARVC). Identifiers: Orphanet 247, MedGen C0349788, MeSH D019571, MONDO:0016587. Disease mechanism: loss of function. Inheritance: Various modes of inheritance.
Cardiomyopathy (CMYO). Also called: Cardiomyopathies. Identifiers: Orphanet 167848, MedGen C0878544, MONDO:0004994, HP:0001638. Inheritance: Various modes of inheritance.
Arrhythmogenic right ventricular dysplasia 9 (ARVD9). Also called: Arrhythmogenic Right Ventricular Dysplasia/Cardiomyopathy 9; ARRHYTHMOGENIC RIGHT VENTRICULAR DYSPLASIA, FAMILIAL, 9. Identifiers: MedGen C1836906, MONDO:0012180, OMIM 609040.

Allele frequency attached by ClinVar (database versions not stated): TOPMed below 0.00001; ExAC 0.00001.

Submissions (3):

All of Us Research Program, National Institutes of Health
Classification: Uncertain significance for Arrhythmogenic right ventricular cardiomyopathy. Last evaluated: 2024-08-06. Review status: criteria provided, single submitter. Criteria: ACMG Guidelines, 2015. Collection method: clinical testing. Allele origin: germline. Inheritance: Autosomal dominant inheritance. Observed: 1 variant allele, 1 heterozygote.
Comment: This missense variant replaces alanine with glutamic acid at codon 326 of the PKP2 protein. Computational prediction tool suggests that this variant may not impact protein structure and function (internally defined REVEL score threshold <=0.5, PMID: 27666373). Splice site prediction tools suggest that this variant may not impact RNA splicing. To our knowledge, functional studies have not been performed for this variant. This variant has not been reported in individuals affected with cardiovascular disorders in the literature. This variant has been identified in 1/250058 chromosomes in the general population by the Genome Aggregation Database (gnomAD). The available evidence is insufficient to determine the role of this variant in disease conclusively. Therefore, this variant is classified as a Variant of Uncertain Significance.

This study involves interpretation of variants in research participants for the purpose of population health screening. Participant phenotype was not available at the time of variant classification. Additional details can be found in publication PMID: 35346344, PMCID: PMC8962531

Color Diagnostics, LLC DBA Color Health
Classification: Uncertain significance for Cardiomyopathy. Last evaluated: 2024-03-06. Review status: criteria provided, single submitter. Criteria: ACMG Guidelines, 2015. Collection method: clinical testing. Allele origin: germline.
Comment: This missense variant replaces alanine with glutamic acid at codon 326 of the PKP2 protein. Computational prediction tool suggests that this variant may not impact protein structure and function (internally defined REVEL score threshold <=0.5, PMID: 27666373). Splice site prediction tools suggest that this variant may not impact RNA splicing. To our knowledge, functional studies have not been performed for this variant. This variant has not been reported in individuals affected with cardiovascular disorders in the literature. This variant has been identified in 1/250058 chromosomes in the general population by the Genome Aggregation Database (gnomAD). The available evidence is insufficient to determine the role of this variant in disease conclusively. Therefore, this variant is classified as a Variant of Uncertain Significance.

Labcorp Genetics (formerly Invitae), Labcorp
Classification: Uncertain significance for Arrhythmogenic right ventricular dysplasia 9. Last evaluated: 2022-03-17. Review status: criteria provided, single submitter. Criteria: Invitae Variant Classification Sherloc (09022015). Collection method: clinical testing. Allele origin: germline.
Comment: In summary, the available evidence is currently insufficient to determine the role of this variant in disease. Therefore, it has been classified as a Variant of Uncertain Significance. This sequence change replaces alanine, which is neutral and non-polar, with glutamic acid, which is acidic and polar, at codon 326 of the PKP2 protein (p.Ala326Glu). This variant is not present in population databases (gnomAD no frequency). This variant has not been reported in the literature in individuals affected with PKP2-related conditions. ClinVar contains an entry for this variant (Variation ID: 922567). Algorithms developed to predict the effect of missense changes on protein structure and function are either unavailable or do not agree on the potential impact of this missense change (SIFT: "Deleterious"; PolyPhen-2: "Probably Damaging"; Align-GVGD: "Class C0").

NM_001005242.3(PKP2):c.977C>A (p.Ala326Glu)

Gene: PKP2 (plakophilin 2; minus strand). Cytogenetic location: 12p11.21.
Variant type: single nucleotide variant.
Coding change: c.977C>A on transcript NM_001005242.3 (MANE Select); coding-DNA position 977, C replaced by A.
Protein change: p.Ala326Glu; replaces alanine 326 with glutamic acid.
Molecular consequence: missense variant.
Genome position (GRCh38, 1-based): chr12:32,877,903, G>T on the plus strand (C>A on the coding strand, the complement: PKP2 is on the minus strand). VCF-style: chr12-32877903-G-T. GRCh37 (hg19) VCF-style: chr12-33030837-G-T.
Other names: c.977C>A, p.Ala326Glu (NM_004572.4); short protein forms A326E.
Identifiers: ClinVar variation 922567 (VCV000922567.9), dbSNP rs762949110, ClinGen allele CA039792.
Genomic context (GRCh38, chr12:32,877,903, plus strand): 5'-TACCCCAGCTGGGAGTCAGTGAAAGTGCTTCTCTCAGTGAGCAGATTCCCACTTCCCCCT[G>T]CGGCCGCCTGGCCGACAGTCAAGTGCGCTCTCCTCCCGCTGGAATCCACGGCGACACTGG-3'
Protein context (NP_001005242.2, residues 316-336): RAHLTVGQAA[Ala326Glu]GGSGNLLTER